The following is an entry in ClinVar:

NM_001162498.3(LPAR6):c.585T>C (p.Ile195=)

Genes: LPAR6 (lysophosphatidic acid receptor 6; minus strand), RB1 (RB transcriptional corepressor 1; plus strand). Cytogenetic location: 13q14.2.
Variant type: single nucleotide variant.
Coding change: c.585T>C on transcript NM_001162498.3 (MANE Select); coding-DNA position 585, T replaced by C.
Protein change: p.Ile195=; no amino-acid change (isoleucine 195 retained).
Molecular consequence: synonymous variant. On other transcripts: intron variant (2).
Genome position (GRCh38, 1-based): chr13:48,411,839, A>G on the plus strand (T>C on the coding strand, the complement: LPAR6 is on the minus strand). VCF-style: chr13-48411839-A-G. GRCh37 (hg19) VCF-style: chr13-48985975-A-G.
Other names: c.585T>C, p.Ile195= (NM_001162497.3, NM_001377316.2, NM_001377317.2 and 1 more transcripts); c.1695+30396A>G (NM_001407165.1, NM_000321.3).
Identifiers: ClinVar variation 769847 (VCV000769847.45), dbSNP rs2233573, ClinGen allele CA030601.
Genomic context (GRCh38, chr13:48,411,839, plus strand): 5'-AACAGGTTTGGTTAAAGTTTTTAGCACCATACTAGAACAAGTTACATTTAAAATTAGAGG[A>G]ATAAAAAATCCCACTATTTCGATGAAAATTACAATCCTTGAGAGATATGTTTTCCATGTG-3'
Protein context (NP_001155970.1, residues 185-205): VIFIEIVGFF[Ile195=]PLILNVTCSS

ClinVar aggregate classification (germline): Benign/Likely benign. Review status: criteria provided, multiple submitters, no conflicts (2 of 4 stars). 4 submissions from 4 submitters: Benign (1); Likely benign (2). 1 of the submissions does not count toward it. Last evaluated 2026-09-01.

Conditions:
LPAR6-related disorder. Also called: LPAR6-related condition.

Allele frequency attached by ClinVar (database versions not stated): 1000 Genomes Project 0.00339; 1000 Genomes Project 30x 0.00344; TOPMed 0.00567; ESP Exome Variant Server 0.00600.
gnomAD v4.1: 13,087 of 1,612,776 alleles (0.81%); highest among the groups gnomAD compares: Middle Eastern, 1.3%; 74 homozygotes.

Submissions (4):

CeGaT Center for Human Genetics Tuebingen
Classification: Likely benign. Last evaluated: 2026-09-01. Review status: criteria provided, single submitter. Criteria: CeGaT Center For Human Genetics Tuebingen Variant Classification Criteria Version 2. Collection method: clinical testing. Allele origin: germline. Affected: yes. Observed: 140 variant alleles.
Comment: LPAR6: BP4, BP7, BS2

Labcorp Genetics (formerly Invitae), Labcorp
Classification: Benign. Last evaluated: 2026-01-28. Review status: criteria provided, single submitter. Criteria: Invitae Variant Classification Sherloc (09022015). Collection method: clinical testing. Allele origin: germline.

Breakthrough Genomics
Classification: Likely benign. Review status: criteria provided, single submitter. Criteria: ACMG Guidelines, 2015. Collection method: not provided. Allele origin: germline. Inheritance: Autosomal recessive inheritance. Affected: yes.

PreventionGenetics, part of Exact Sciences
Classification: Likely benign for LPAR6-related condition. Last evaluated: 2024-05-16. Review status: no assertion criteria provided. Collection method: clinical testing. Allele origin: germline. Not counted in ClinVar's aggregate classification.
Comment: This variant is classified as likely benign based on ACMG/AMP sequence variant interpretation guidelines (Richards et al. 2015 PMID: 25741868, with internal and published modifications).